The following is an entry in ClinVar:

ClinVar aggregate classification (germline): Pathogenic (1 of 4 stars; one submission).

Conditions:
PHARC syndrome. Also called: Polyneuropathy-hearing loss-ataxia-retinitis pigmentosa-cataract syndrome. Identifiers: Orphanet 171848, MedGen C2675204, MONDO:0012984, OMIM 612674.

Submission:

Labcorp Genetics (formerly Invitae), Labcorp
Classification: Pathogenic. Last evaluated: 2021-02-02. Review status: criteria provided, single submitter. Criteria: Invitae Variant Classification Sherloc (09022015). Collection method: clinical testing. Allele origin: germline.
Comment: This sequence change creates a premature translational stop signal (p.Trp69Valfs*44) in the ABHD12 gene. It is expected to result in an absent or disrupted protein product. Loss-of-function variants in ABHD12 are known to be pathogenic (PMID: 20797687). For these reasons, this variant has been classified as Pathogenic. This variant has not been reported in the literature in individuals with ABHD12-related conditions. This variant is not present in population databases (ExAC no frequency).

Literature cited by the submitters: PubMed 20797687 (cited by Labcorp Genetics (formerly Invitae), Labcorp).

NM_001042472.3(ABHD12):c.205_206del (p.Trp69fs)

Gene: ABHD12 (abhydrolase domain containing 12, lysophospholipase; minus strand). Cytogenetic location: 20p11.21.
Variant type: Microsatellite.
Coding change: c.205_206del on transcript NM_001042472.3 (MANE Select); coding-DNA positions 205 to 206, 2 bases deleted (TG; older notation c.205_206delTG).
Protein change: p.Trp69fs; shifts the reading frame from tryptophan 69.
Molecular consequence: frameshift variant.
Genome position (GRCh38, 1-based): chr20:25,339,337-25,339,338, CA deleted on the plus strand (TG on the coding strand, the reverse complement: ABHD12 is on the minus strand); deleting any 2 consecutive bases within chr20:25,339,337-25,339,341 gives the same sequence; the c. name uses the placement nearest the transcript's 3' end. VCF-style (leftmost placement, unchanged base first): chr20-25339336-CCA-C. GRCh37 (hg19) VCF-style: chr20-25319972-CCA-C.
Other names: c.205_206del (NM_001042472.2); c.205_206del, p.Trp69fs (NM_015600.5); short protein forms W69fs.
Identifiers: ClinVar variation 1389869 (VCV001389869.7), dbSNP rs2146035624, ClinGen allele CA2573130383.